The following is an entry in ClinVar:

ClinVar aggregate classification (germline): Pathogenic (1 of 4 stars; one submission).

Conditions:
Familial hypobetalipoproteinemia 1. Also called: APOB-Related Familial Hypobetalipoproteinemia; Hypobetalipoproteinemia, normotriglyceridemic; Acanthocytosis with hypobetalipoproteinemia. Identifiers: MedGen C4551990, MONDO:0014252, OMIM 615558.
Hypercholesterolemia, autosomal dominant, type B (FHCL2). Also called: Familial Hypercholesterolemia Type B; APOLIPOPROTEIN B-100, FAMILIAL DEFECTIVE; APOLIPOPROTEIN B-100, FAMILIAL LIGAND-DEFECTIVE; HYPERCHOLESTEROLEMIA, FAMILIAL, DUE TO LIGAND-DEFECTIVE APOLIPOPROTEIN B; Hyperlipoproteinemia Type IIb; APOB-Related Familial Hypercholesterolemia, Autosomal Dominant. Identifiers: MedGen C1704417, MONDO:0007751, OMIM 144010.

Submission:

Labcorp Genetics (formerly Invitae), Labcorp
Classification: Pathogenic for Familial hypobetalipoproteinemia 1; Hypercholesterolemia, autosomal dominant, type B. Last evaluated: 2022-09-03. Review status: criteria provided, single submitter. Criteria: Invitae Variant Classification Sherloc (09022015). Collection method: clinical testing. Allele origin: germline.
Comment: For these reasons, this variant has been classified as Pathogenic. Studies have shown that disruption of this splice site alters mRNA splicing and is expected to lead to the loss of protein expression (PMID: 19084451). Disruption of this splice site has been observed in individual(s) with autosomal dominant familial hypobetalipoproteinemia (PMID: 17570373, 19084451). It has also been observed to segregate with disease in related individuals. This variant is not present in population databases (gnomAD no frequency). This sequence change affects an acceptor splice site in intron 11 of the APOB gene. It is expected to disrupt RNA splicing. Variants that disrupt the donor or acceptor splice site typically lead to a loss of protein function (PMID: 16199547), and loss-of-function variants in APOB are known to be pathogenic (PMID: 20032471).

Literature cited by the submitters: PubMed 19084451; PubMed 17570373; PubMed 16199547; PubMed 20032471.

NM_000384.3(APOB):c.1471-1G>A

Gene: APOB (apolipoprotein B; minus strand). Cytogenetic location: 2p24.1.
Variant type: single nucleotide variant.
Coding change: c.1471-1G>A on transcript NM_000384.3 (MANE Select); the canonical splice acceptor site of the intron before coding-DNA position 1471, G replaced by A.
Molecular consequence: splice acceptor variant.
Genome position (GRCh38, 1-based): chr2:21,029,786, C>T on the plus strand (G>A on the coding strand, the complement: APOB is on the minus strand). VCF-style: chr2-21029786-C-T. GRCh37 (hg19) VCF-style: chr2-21252658-C-T.
Identifiers: ClinVar variation 2203022 (VCV002203022.4), dbSNP rs2465425936, ClinGen allele CA346015195.